The following is an entry in ClinVar:

NM_020631.6(PLEKHG5):c.1925G>A (p.Arg642Gln)

Gene: PLEKHG5 (pleckstrin homology and RhoGEF domain containing G5; minus strand). Cytogenetic location: 1p36.31.
Variant type: single nucleotide variant.
Coding change: c.1925G>A on transcript NM_020631.6 (MANE Select); coding-DNA position 1925, G replaced by A.
Protein change: p.Arg642Gln; replaces arginine 642 with glutamine.
Molecular consequence: missense variant.
Genome position (GRCh38, 1-based): chr1:6,469,552, C>T on the plus strand (G>A on the coding strand, the complement: PLEKHG5 is on the minus strand). VCF-style: chr1-6469552-C-T. GRCh37 (hg19) VCF-style: chr1-6529612-C-T.
Other names: c.2036G>A, p.Arg679Gln (NM_001042663.3, NM_001265592.2); c.1925G>A, p.Arg642Gln (NM_001042664.2, NM_001042665.2, NM_001265594.3 and 1 more transcripts); c.2132G>A, p.Arg711Gln (NM_001265593.2); short protein forms R642Q, R679Q, R711Q.
Identifiers: ClinVar variation 4990665 (VCV004990665.1).

ClinVar aggregate classification (germline): Uncertain significance (1 of 4 stars; one submission).

Conditions:
PLEKHG5-related disorder. Also called: PLEKHG5-related condition.

gnomAD v4.1: 59 of 1,613,698 alleles (0.0037%); highest among the groups gnomAD compares: Middle Eastern, 0.016%; no homozygotes.

Submission:

PreventionGenetics, part of Exact Sciences
Classification: Uncertain significance for PLEKHG5-related condition. Last evaluated: 2026-09-08. Review status: criteria provided, single submitter. Criteria: ACMG Guidelines, 2015. Collection method: clinical testing. Allele origin: germline.
Comment: The PLEKHG5 c.1925G>A variant is predicted to result in the amino acid substitution p.Arg642Gln. To our knowledge, this variant has not been reported in the literature. This variant is reported in 0.0080% of alleles in individuals of African descent in gnomAD. At this time, the clinical significance of this variant is uncertain due to the absence of conclusive functional and genetic evidence.